The following is an entry in ClinVar:

ClinVar aggregate classification (germline): Likely benign (1 of 4 stars; one submission).

Allele frequency attached by ClinVar (database versions not stated): 1000 Genomes Project 30x 0.00047; 1000 Genomes Project 0.00060; gnomAD 0.00080.
gnomAD v4.1: 149 of 148,186 alleles (0.1%); highest among the groups gnomAD compares: African/African-American, 0.32%; no homozygotes.

Submission:

CeGaT Center for Human Genetics Tuebingen
Classification: Likely benign. Last evaluated: 2022-11-01. Review status: criteria provided, single submitter. Criteria: CeGaT Center For Human Genetics Tuebingen Variant Classification Criteria Version 2. Collection method: clinical testing. Allele origin: germline. Affected: yes. Observed: 1 variant allele.
Comment: KCNQ1OT1: BS1

NM_000218.3(KCNQ1):c.1514+12311C>T

Genes: KCNQ1 (potassium voltage-gated channel subfamily Q member 1; plus strand), KCNQ1OT1 (KCNQ1 opposite strand/antisense transcript 1; minus strand). Cytogenetic location: 11p15.5.
Variant type: single nucleotide variant.
Coding change: c.1514+12311C>T on transcript NM_000218.3 (MANE Select); 12311 bases into the intron after coding-DNA position 1514, C replaced by T.
Molecular consequence: intron variant. On other transcripts: non-coding transcript variant (1).
Genome position (GRCh38, 1-based): chr11:2,674,392, C>T. VCF-style: chr11-2674392-C-T. GRCh37 (hg19) VCF-style: chr11-2695622-C-T.
Other names: c.1244+12311C>T (NM_001406837.1); c.1418+12311C>T (NM_001406836.1); c.974+12311C>T (NM_001406838.1); c.1133+12311C>T (NM_181798.2).
Identifiers: ClinVar variation 2641471 (VCV002641471.24), dbSNP rs530132064, ClinGen allele CA216180107.
Genomic context (GRCh38, chr11:2,674,392, plus strand): 5'-GAAATCTGAATTCCATTCGCTCTTGGCAAAGAGCAGCTTCCTGCTTAGGGAAGGTGCATG[C>T]GTGCGTGTGTGTGTGCGCGCCCGCGCGCACACGACCACAGAGGCTGGGGGGAGGCACGTG-3'